The following is an entry in ClinVar:

ClinVar aggregate classification (germline): Uncertain significance (1 of 4 stars; one submission).

Conditions:
Singleton-Merten syndrome 1 (SGMRT1). Also called: Widened medullary cavities of bone, aortic calcification, abnormal dentition, and muscular weakness; Syndrome of widened medullary cavities of the metacarpals and phalanges, aortic calcification and abnormal dentition. Identifiers: Orphanet 85191, MedGen C4225427, MONDO:0024535, OMIM 182250.
Aicardi-Goutieres syndrome 7 (AGS7). Identifiers: Orphanet 51, MedGen C3888244, MONDO:0014367, OMIM 615846.

Allele frequency attached by ClinVar (database versions not stated): gnomAD 0.00004; TOPMed 0.00005.
gnomAD v4.1: 14 of 1,611,394 alleles (0.00087%); highest among the groups gnomAD compares: African/African-American, 0.0094%; no homozygotes.

Submission:

Labcorp Genetics (formerly Invitae), Labcorp
Classification: Uncertain significance for Aicardi-Goutieres syndrome 7; Singleton-Merten syndrome 1. Last evaluated: 2025-12-01. Review status: criteria provided, single submitter. Criteria: Invitae Variant Classification Sherloc (09022015). Collection method: clinical testing. Allele origin: germline.
Comment: This sequence change replaces arginine, which is basic and polar, with cysteine, which is neutral and slightly polar, at codon 386 of the IFIH1 protein (p.Arg386Cys). This variant is present in population databases (no rsID available, gnomAD 0.01%). This variant has not been reported in the literature in individuals affected with IFIH1-related conditions. ClinVar contains an entry for this variant (Variation ID: 2105017). An algorithm developed to predict the effect of missense changes on protein structure and function outputs the following: PolyPhen-2: "Benign". The cysteine amino acid residue is found in multiple mammalian species, which suggests that this missense change does not adversely affect protein function. In summary, the available evidence is currently insufficient to determine the role of this variant in disease. Therefore, it has been classified as a Variant of Uncertain Significance.

NM_022168.4(IFIH1):c.1156C>T (p.Arg386Cys)

Gene: IFIH1 (interferon induced with helicase C domain 1; minus strand). Cytogenetic location: 2q24.2.
Variant type: single nucleotide variant.
Coding change: c.1156C>T on transcript NM_022168.4 (MANE Select); coding-DNA position 1156, C replaced by T.
Protein change: p.Arg386Cys; replaces arginine 386 with cysteine.
Molecular consequence: missense variant.
Genome position (GRCh38, 1-based): chr2:162,282,516, G>A on the plus strand (C>T on the coding strand, the complement: IFIH1 is on the minus strand). VCF-style: chr2-162282516-G-A. GRCh37 (hg19) VCF-style: chr2-163139026-G-A.
Other names: short protein forms R386C.
Identifiers: ClinVar variation 2105017 (VCV002105017.4), dbSNP rs759212820, ClinGen allele CA349002973.